The following is an entry in ClinVar:

NM_000540.3(RYR1):c.1113C>T (p.Leu371=)

Gene: RYR1 (ryanodine receptor 1; plus strand). Cytogenetic location: 19q13.2.
Variant type: single nucleotide variant.
Coding change: c.1113C>T on transcript NM_000540.3 (MANE Select); coding-DNA position 1113, C replaced by T.
Protein change: p.Leu371=; no amino-acid change (leucine 371 retained).
Molecular consequence: synonymous variant.
Genome position (GRCh38, 1-based): chr19:38,448,804, C>T. VCF-style: chr19-38448804-C-T. GRCh37 (hg19) VCF-style: chr19-38939444-C-T.
Other names: c.1113C>T, p.Leu371= (NM_001042723.2).
Identifiers: ClinVar variation 1647553 (VCV001647553.10), dbSNP rs781532906, ClinGen allele CA9415796.

ClinVar aggregate classification (germline): Likely benign. Review status: criteria provided, multiple submitters, no conflicts (2 of 4 stars). 3 submissions from 3 submitters: Likely benign (3). Last evaluated 2024-08-05.

Conditions:
Malignant hyperthermia, susceptibility to, 1 (MHS1). Also called: Anesthesia related hyperthermia; Malignant hyperpyrexia; Fulminating hyperpyrexia; Pharmacogenic myopathy; Malignant hyperthermia suceptibility 1; RYR1-Related Malignant Hyperthermia Susceptibility. Identifiers: Orphanet 423, MedGen C2930980, MONDO:0007783, OMIM 145600.
RYR1-related disorder. Also called: RYR1-related disorders; RYR1-related condition. Identifiers: MedGen CN239331.

Allele frequency attached by ClinVar (database versions not stated): gnomAD exomes below 0.00001; ExAC 0.00001; gnomAD 0.00001 and 0.00002; TOPMed 0.00001.
gnomAD v4.1: 5 of 1,613,616 alleles (0.00031%); highest among the groups gnomAD compares: South Asian, 0.0011%; no homozygotes.

Submissions (3):

Labcorp Genetics (formerly Invitae), Labcorp
Classification: Likely benign for RYR1-related disorder. Last evaluated: 2024-08-05. Review status: criteria provided, single submitter. Criteria: Invitae Variant Classification Sherloc (09022015). Collection method: clinical testing. Allele origin: germline.

All of Us Research Program, National Institutes of Health
Classification: Likely benign for Malignant hyperthermia, susceptibility to, 1. Last evaluated: 2023-12-18. Review status: criteria provided, single submitter. Criteria: ACMG Guidelines, 2015. Collection method: clinical testing. Allele origin: germline. Inheritance: Autosomal dominant inheritance. Observed: 1 variant allele, 1 heterozygote.
Comment: This study involves interpretation of variants in research participants for the purpose of population health screening. Participant phenotype was not available at the time of variant classification. Additional details can be found in publication PMID: 35346344, PMCID: PMC8962531

Color Diagnostics, LLC DBA Color Health
Classification: Likely benign for Malignant hyperthermia, susceptibility to, 1. Last evaluated: 2023-11-01. Review status: criteria provided, single submitter. Criteria: ACMG Guidelines, 2015. Collection method: clinical testing. Allele origin: germline.